The following is an entry in ClinVar:

ClinVar aggregate classification (germline): Uncertain significance (1 of 4 stars; one submission).

Allele frequency attached by ClinVar (database versions not stated): gnomAD exomes 0.00001.
gnomAD v4.1: 7 of 1,613,056 alleles (0.00043%); highest among the groups gnomAD compares: Non-Finnish European, 0.00059%; no homozygotes.

Submission:

Labcorp Genetics (formerly Invitae), Labcorp
Classification: Uncertain significance. Last evaluated: 2022-06-13. Review status: criteria provided, single submitter. Criteria: Invitae Variant Classification Sherloc (09022015). Collection method: clinical testing. Allele origin: germline.
Comment: This sequence change replaces lysine, which is basic and polar, with asparagine, which is neutral and polar, at codon 676 of the C2 protein (p.Lys676Asn). This variant is not present in population databases (gnomAD no frequency). This variant has not been reported in the literature in individuals affected with C2-related conditions. Algorithms developed to predict the effect of missense changes on protein structure and function (SIFT, PolyPhen-2, Align-GVGD) all suggest that this variant is likely to be disruptive. In summary, the available evidence is currently insufficient to determine the role of this variant in disease. Therefore, it has been classified as a Variant of Uncertain Significance.

NM_000063.6(C2):c.2028G>C (p.Lys676Asn)

Gene: C2 (complement C2; plus strand). Cytogenetic location: 6p21.33.
Variant type: single nucleotide variant.
Coding change: c.2028G>C on transcript NM_000063.6 (MANE Select); coding-DNA position 2028, G replaced by C.
Protein change: p.Lys676Asn; replaces lysine 676 with asparagine.
Molecular consequence: missense variant.
Genome position (GRCh38, 1-based): chr6:31,944,852, G>C. VCF-style: chr6-31944852-G-C. GRCh37 (hg19) VCF-style: chr6-31912629-G-C.
Other names: c.1632G>C, p.Lys544Asn (NM_001145903.3); c.1386G>C, p.Lys462Asn (NM_001178063.3); c.1290G>C, p.Lys430Asn (NM_001282457.2); c.1941G>C, p.Lys647Asn (NM_001282458.2); short protein forms K647N, K544N, K676N, K430N, K462N.
Identifiers: ClinVar variation 2041944 (VCV002041944.1), dbSNP rs1771239598, ClinGen allele CA363384657.